The following is an entry in ClinVar:

ClinVar aggregate classification (germline): Uncertain significance (1 of 4 stars; one submission).

Conditions:
Dextro-looped transposition of the great arteries. Also called: Dextrotransposition of the great arteries. Identifiers: Orphanet 860, MedGen C3531771, MONDO:0019443, OMIM 608808, HP:0031348.

Allele frequency attached by ClinVar (database versions not stated): gnomAD exomes below 0.00001.
gnomAD v4.1: 3 of 1,614,126 alleles (0.00019%); highest among the groups gnomAD compares: Non-Finnish European, 0.00025%; no homozygotes.

Submission:

Labcorp Genetics (formerly Invitae), Labcorp
Classification: Uncertain significance for Dextro-looped transposition of the great arteries. Last evaluated: 2023-10-04. Review status: criteria provided, single submitter. Criteria: Invitae Variant Classification Sherloc (09022015). Collection method: clinical testing. Allele origin: germline.
Comment: This sequence change replaces arginine, which is basic and polar, with histidine, which is basic and polar, at codon 1159 of the MED13L protein (p.Arg1159His). This variant is not present in population databases (gnomAD no frequency). This variant has not been reported in the literature in individuals affected with MED13L-related conditions. Advanced modeling of protein sequence and biophysical properties (such as structural, functional, and spatial information, amino acid conservation, physicochemical variation, residue mobility, and thermodynamic stability) performed at Invitae indicates that this missense variant is expected to disrupt MED13L protein function. In summary, the available evidence is currently insufficient to determine the role of this variant in disease. Therefore, it has been classified as a Variant of Uncertain Significance.

NM_015335.5(MED13L):c.3476G>A (p.Arg1159His)

Gene: MED13L (mediator complex subunit 13L; minus strand). Cytogenetic location: 12q24.21.
Variant type: single nucleotide variant.
Coding change: c.3476G>A on transcript NM_015335.5 (MANE Select); coding-DNA position 3476, G replaced by A.
Protein change: p.Arg1159His; replaces arginine 1159 with histidine.
Molecular consequence: missense variant.
Genome position (GRCh38, 1-based): chr12:115,991,478, C>T on the plus strand (G>A on the coding strand, the complement: MED13L is on the minus strand). VCF-style: chr12-115991478-C-T. GRCh37 (hg19) VCF-style: chr12-116429283-C-T.
Other names: short protein forms R1159H.
Identifiers: ClinVar variation 2755015 (VCV002755015.3), dbSNP rs2499856607, ClinGen allele CA386887651.
Genomic context (GRCh38, chr12:115,991,478, plus strand): 5'-AAGAGTCCTGAATTGTAGCCAAGTTTGCGGTTCATAATCGCACTAAACCCACAGGTACAG[C>T]GGTACTGGTCCTCATTGGAAGAATCGGGGATGTAAAGCCCGACATCCGCCCCTTTGATGT-3'
Protein context (NP_056150.1, residues 1149-1169): IPDSSNEDQY[Arg1159His]CTCGFSAIMN